The following is an entry in ClinVar:

NM_031483.7(ITCH):c.1569+3A>G

Gene: ITCH (itchy E3 ubiquitin protein ligase; plus strand). Cytogenetic location: 20q11.22.
Variant type: single nucleotide variant.
Coding change: c.1569+3A>G on transcript NM_031483.7 (MANE Select); 3 bases into the intron after coding-DNA position 1569, A replaced by G.
Molecular consequence: intron variant.
Genome position (GRCh38, 1-based): chr20:34,471,518, A>G. VCF-style: chr20-34471518-A-G. GRCh37 (hg19) VCF-style: chr20-33059323-A-G.
Other names: c.1692+3A>G (NM_001324197.2, NM_001257137.3); c.1569+3A>G (NM_001324198.2); c.1239+3A>G (NM_001257138.3).
Identifiers: ClinVar variation 940970 (VCV000940970.7), dbSNP rs1987615283, ClinGen allele CA1139666680.

ClinVar aggregate classification (germline): Uncertain significance (1 of 4 stars; one submission).

Conditions:
Syndromic multisystem autoimmune disease due to ITCH deficiency. Also called: AUTOIMMUNE DISEASE, MULTISYSTEM, WITH FACIAL DYSMORPHISM. Identifiers: Orphanet 228426, MedGen C3150649, MONDO:0013245, OMIM 613385.

Allele frequency attached by ClinVar (database versions not stated): TOPMed below 0.00001.
gnomAD v4.1: 1 of 1,565,900 alleles (0.000064%); no homozygotes.

Submission:

Labcorp Genetics (formerly Invitae), Labcorp
Classification: Uncertain significance for Syndromic multisystem autoimmune disease due to ITCH deficiency. Last evaluated: 2022-07-19. Review status: criteria provided, single submitter. Criteria: Invitae Variant Classification Sherloc (09022015). Collection method: clinical testing. Allele origin: germline.
Comment: This sequence change falls in intron 16 of the ITCH gene. It does not directly change the encoded amino acid sequence of the ITCH protein. It affects a nucleotide within the consensus splice site. This variant is not present in population databases (gnomAD no frequency). In summary, the available evidence is currently insufficient to determine the role of this variant in disease. Therefore, it has been classified as a Variant of Uncertain Significance. Variants that disrupt the consensus splice site are a relatively common cause of aberrant splicing (PMID: 17576681, 9536098). Algorithms developed to predict the effect of sequence changes on RNA splicing suggest that this variant is not likely to affect RNA splicing. ClinVar contains an entry for this variant (Variation ID: 940970). This variant has not been reported in the literature in individuals affected with ITCH-related conditions.

Literature cited by the submitters: PubMed 17576681; PubMed 9536098.